The following is an entry in ClinVar:

NM_004448.4(ERBB2):c.1546G>A (p.Ala516Thr)

Gene: ERBB2 (erb-b2 receptor tyrosine kinase 2; plus strand). Cytogenetic location: 17q12.
Variant type: single nucleotide variant.
Coding change: c.1546G>A on transcript NM_004448.4 (MANE Select); coding-DNA position 1546, G replaced by A.
Protein change: p.Ala516Thr; replaces alanine 516 with threonine.
Molecular consequence: missense variant. On other transcripts: non-coding transcript variant (1), intron variant (1).
Genome position (GRCh38, 1-based): chr17:39,716,333, G>A. VCF-style: chr17-39716333-G-A. GRCh37 (hg19) VCF-style: chr17-37872586-G-A.
Other names: c.1456G>A, p.Ala486Thr (NM_001005862.3, NM_001289938.2, NM_001382782.1 and 1 more transcripts); c.1501G>A, p.Ala501Thr (NM_001289936.2); c.1546G>A, p.Ala516Thr (NM_001289937.2, NM_001382785.1, NM_001382790.1 and 11 more transcripts); c.1663G>A, p.Ala555Thr (NM_001382784.1, NM_001382786.1); c.1621G>A, p.Ala541Thr (NM_001382787.1); c.1576G>A, p.Ala526Thr (NM_001382788.1); c.1567G>A, p.Ala523Thr (NM_001382789.1); c.1537G>A, p.Ala513Thr (NM_001382791.1); and 4 more; short protein forms A456T, A486T, A513T, A555T, A240T, A430T, A523T, A541T.
Identifiers: ClinVar variation 1444024 (VCV001444024.8), dbSNP rs371623072, ClinGen allele CA8534018.
Genomic context (GRCh38, chr17:39,716,333, plus strand): 5'-CCCTGCGGTCCCTTCCTCCTCACTGCAGTGGGCGAGGGCCTGGCCTGCCACCAGCTGTGC[G>A]CCCGAGGGCACTGCTGGGGTCCAGGGCCCACCCAGTGTGTCAACTGCAGCCAGTTCCTTC-3'
Protein context (NP_004439.2, residues 506-526): GEGLACHQLC[Ala516Thr]RGHCWGPGPT

ClinVar aggregate classification (germline): Uncertain significance (1 of 4 stars; one submission).

Allele frequency attached by ClinVar (database versions not stated): TOPMed 0.00005; gnomAD exomes 0.00006 and 0.00009; ESP Exome Variant Server 0.00008; gnomAD 0.00011; ExAC 0.00022.
gnomAD v4.1: 108 of 1,603,360 alleles (0.0067%); highest among the groups gnomAD compares: Middle Eastern, 0.037%; no homozygotes.

Submission:

Labcorp Genetics (formerly Invitae), Labcorp
Classification: Uncertain significance. Last evaluated: 2025-05-13. Review status: criteria provided, single submitter. Criteria: Invitae Variant Classification Sherloc (09022015). Collection method: clinical testing. Allele origin: germline.
Comment: This sequence change replaces alanine, which is neutral and non-polar, with threonine, which is neutral and polar, at codon 516 of the ERBB2 protein (p.Ala516Thr). This variant is present in population databases (rs371623072, gnomAD 0.02%). This missense change has been observed in individual(s) with ERBB2 related conditions (PMID: 34209587). ClinVar contains an entry for this variant (Variation ID: 1444024). Invitae Evidence Modeling of protein sequence and biophysical properties (such as structural, functional, and spatial information, amino acid conservation, physicochemical variation, residue mobility, and thermodynamic stability) indicates that this missense variant is not expected to disrupt ERBB2 protein function with a negative predictive value of 80%. In summary, the available evidence is currently insufficient to determine the role of this variant in disease. Therefore, it has been classified as a Variant of Uncertain Significance.

Literature cited by the submitters: PubMed 34209587.